The following is an entry in ClinVar:

ClinVar aggregate classification (germline): Uncertain significance (1 of 4 stars; one submission).

Conditions:
Severe myoclonic epilepsy in infancy (DRVT). Also called: Epileptic encephalopathy, early infantile, 6 (Dravet syndrome); SEVERE MYOCLONIC EPILEPSY OF INFANCY; DEVELOPMENTAL AND EPILEPTIC ENCEPHALOPATHY 6A; Severe Myoclonic Epilepsy in Infancy (SMEI); Dravet syndrome. Identifiers: Orphanet 33069, MedGen C0751122, MONDO:0100135, OMIM 607208.

Submission:

Institute of Human Genetics, University of Leipzig Medical Center
Classification: Uncertain significance for Severe myoclonic epilepsy in infancy. Last evaluated: 2023-01-10. Review status: criteria provided, single submitter. Criteria: ACMG Guidelines, 2015. Collection method: clinical testing. Allele origin: unknown. Affected: yes.
Comment: Predicted to result in a splice acceptor gain. Despite strong evidence for its pathogenicity, this variant has to be classified as of unknown significance, according to the ACMG-criteria (Richards et al., 2015)_x000D_ Criteria applied: PM2_SUP, PP3, PP4

NM_001165963.4(SCN1A):c.603-3C>G

Gene: SCN1A (sodium voltage-gated channel alpha subunit 1; minus strand). Cytogenetic location: 2q24.3.
Variant type: single nucleotide variant.
Coding change: c.603-3C>G on transcript NM_001165963.4 (MANE Select); 3 bases into the intron before coding-DNA position 603, C replaced by G.
Molecular consequence: intron variant.
Genome position (GRCh38, 1-based): chr2:166,052,946, G>C on the plus strand (C>G on the coding strand, the complement: SCN1A is on the minus strand). VCF-style: chr2-166052946-G-C. GRCh37 (hg19) VCF-style: chr2-166909456-G-C.
Other names: c.603-3C>G (NM_001353949.2, NM_001353958.2, NM_001353950.2 and 10 more transcripts); c.-1823-3C>G (NM_001353961.2).
Identifiers: ClinVar variation 2430262 (VCV002430262.1), dbSNP rs779001969, ClinGen allele CA2580064305.